The following is an entry in ClinVar:

ClinVar aggregate classification (germline): Uncertain significance (1 of 4 stars; one submission).

Submission:

Labcorp Genetics (formerly Invitae), Labcorp
Classification: Uncertain significance. Last evaluated: 2021-08-31. Review status: criteria provided, single submitter. Criteria: Invitae Variant Classification Sherloc (09022015). Collection method: clinical testing. Allele origin: germline.
Comment: This variant is a gross deletion of the genomic region encompassing exon(s) 35 of the COL4A4 gene. This variant would be expected to be in-frame, preserving the integrity of the reading frame. This variant has not been reported in the literature in individuals affected with COL4A4-related conditions. Experimental studies and prediction algorithms are not available or were not evaluated, and the functional significance of this variant is currently unknown. This variant disrupts a region of the COL4A4 protein in which other variant(s) (p.Gly1072Val) have been observed in individuals with COL4A4-related conditions (PMID: 24052634). This suggests that this is a clinically significant region of the protein, and that variants that disrupt it are likely to be disease-causing. In summary, the available evidence is currently insufficient to determine the role of this variant in disease. Therefore, it has been classified as a Variant of Uncertain Significance.

Literature cited by the submitters: PubMed 24052634.

NC_000002.11:g.(?_227912181)_(227912275_?)del

Gene: COL4A4 (collagen type IV alpha 4 chain; minus strand). Cytogenetic location: 2q36.3.
Variant type: Deletion.
Identifiers: ClinVar variation 1408978 (VCV001408978.5).